The following is an entry in ClinVar:

NM_001077350.3(NPRL3):c.1241C>A (p.Ala414Asp)

Genes: HBA-LCR (alpha-globin locus control region; plus strand), NPRL3 (NPR3 like, GATOR1 complex subunit; minus strand). Cytogenetic location: 16p13.3.
Variant type: single nucleotide variant.
Coding change: c.1241C>A on transcript NM_001077350.3 (MANE Select); coding-DNA position 1241, C replaced by A.
Protein change: p.Ala414Asp; replaces alanine 414 with aspartic acid.
Molecular consequence: missense variant.
Genome position (GRCh38, 1-based): chr16:89,823, G>T on the plus strand (C>A on the coding strand, the complement: NPRL3 is on the minus strand). VCF-style: chr16-89823-G-T. GRCh37 (hg19) VCF-style: chr16-139821-G-T.
Other names: c.704C>A, p.Ala235Asp (NM_001039476.3); c.1007C>A, p.Ala336Asp (NM_001243247.2); c.1166C>A, p.Ala389Asp (NM_001243248.2, NM_001243249.2); short protein forms A235D, A336D, A389D, A414D.
Identifiers: ClinVar variation 1804241 (VCV001804241.1), dbSNP rs2542804342, ClinGen allele CA394051308.

ClinVar aggregate classification (germline): Uncertain significance (1 of 4 stars; one submission).

Allele frequency attached by ClinVar (database versions not stated): gnomAD exomes below 0.00001.
gnomAD v4.1: 1 of 1,588,280 alleles (0.000063%); highest among the groups gnomAD compares: African/African-American, 0.0013%; no homozygotes.

Submission:

GeneDx
Classification: Uncertain significance. Last evaluated: 2022-06-08. Review status: criteria provided, single submitter. Criteria: GeneDx Variant Classification Process June 2021. Collection method: clinical testing. Allele origin: germline. Affected: yes.
Comment: Not observed at significant frequency in large population cohorts (gnomAD); In silico analysis supports that this missense variant does not alter protein structure/function; Has not been previously published as pathogenic or benign to our knowledge